The following is an entry in ClinVar:

NM_000807.4(GABRA2):c.1060-11T>G

Gene: GABRA2 (gamma-aminobutyric acid type A receptor subunit alpha2; minus strand). Cytogenetic location: 4p12.
Variant type: single nucleotide variant.
Coding change: c.1060-11T>G on transcript NM_000807.4 (MANE Select); 11 bases into the intron before coding-DNA position 1060, T replaced by G.
Molecular consequence: intron variant.
Genome position (GRCh38, 1-based): chr4:46,250,615, A>C on the plus strand (T>G on the coding strand, the complement: GABRA2 is on the minus strand). VCF-style: chr4-46250615-A-C. GRCh37 (hg19) VCF-style: chr4-46252632-A-C.
Other names: c.895-11T>G (NM_001377154.1, NM_001377152.1, NM_001377153.1); c.1060-11T>G (NM_001377146.1, NM_001377150.1, NM_001377147.1 and 4 more transcripts); c.1240-11T>G (NM_001377145.1, NM_001377144.1, NM_001330690.2); c.1075-11T>G (NM_001286827.3).
Identifiers: ClinVar variation 2023013 (VCV002023013.4), dbSNP rs2475200687, ClinGen allele CA2580071045.

ClinVar aggregate classification (germline): Uncertain significance (1 of 4 stars; one submission).

Submission:

Labcorp Genetics (formerly Invitae), Labcorp
Classification: Uncertain significance. Last evaluated: 2022-08-09. Review status: criteria provided, single submitter. Criteria: Invitae Variant Classification Sherloc (09022015). Collection method: clinical testing. Allele origin: germline.
Comment: This sequence change falls in intron 10 of the GABRA2 gene. It does not directly change the encoded amino acid sequence of the GABRA2 protein. In summary, the available evidence is currently insufficient to determine the role of this variant in disease. Therefore, it has been classified as a Variant of Uncertain Significance. Algorithms developed to predict the effect of sequence changes on RNA splicing suggest that this variant may disrupt the consensus splice site. This variant has not been reported in the literature in individuals affected with GABRA2-related conditions. This variant is not present in population databases (gnomAD no frequency).